The following is an entry in ClinVar:

NM_000748.3(CHRNB2):c.1253A>G (p.Glu418Gly)

Gene: CHRNB2 (cholinergic receptor nicotinic beta 2 subunit; plus strand). Cytogenetic location: 1q21.3.
Variant type: single nucleotide variant.
Coding change: c.1253A>G on transcript NM_000748.3 (MANE Select); coding-DNA position 1253, A replaced by G.
Protein change: p.Glu418Gly; replaces glutamic acid 418 with glycine.
Molecular consequence: missense variant.
Genome position (GRCh38, 1-based): chr1:154,572,076, A>G. VCF-style: chr1-154572076-A-G. GRCh37 (hg19) VCF-style: chr1-154544552-A-G.
Other names: short protein forms E418G.
Identifiers: ClinVar variation 516918 (VCV000516918.9), dbSNP rs1475853887, ClinGen allele CA342631787.

ClinVar aggregate classification (germline): Conflicting classifications of pathogenicity. Review status: criteria provided, conflicting classifications (1 of 4 stars). 2 submissions from 2 submitters: Uncertain significance (1); Likely benign (1). Last evaluated 2022-07-12.

Conditions:
Familial sleep-related hypermotor epilepsy. Also called: Autosomal Dominant Sleep-Related Hypermotor (Hyperkinetic) Epilepsy. Identifiers: Orphanet 98784, MedGen C3696898, MONDO:0000030.

Allele frequency attached by ClinVar (database versions not stated): gnomAD exomes 0.00001 and below 0.00001.

Submissions (2):

Labcorp Genetics (formerly Invitae), Labcorp
Classification: Uncertain significance. Last evaluated: 2022-07-12. Review status: criteria provided, single submitter. Criteria: Invitae Variant Classification Sherloc (09022015). Collection method: clinical testing. Allele origin: germline.
Comment: This sequence change replaces glutamic acid, which is acidic and polar, with glycine, which is neutral and non-polar, at codon 418 of the CHRNB2 protein (p.Glu418Gly). The frequency data for this variant in the population databases is considered unreliable, as metrics indicate poor data quality at this position in the gnomAD database. This variant has not been reported in the literature in individuals affected with CHRNB2-related conditions. ClinVar contains an entry for this variant (Variation ID: 516918). Advanced modeling of protein sequence and biophysical properties (such as structural, functional, and spatial information, amino acid conservation, physicochemical variation, residue mobility, and thermodynamic stability) performed at Invitae indicates that this missense variant is not expected to disrupt CHRNB2 protein function. In summary, the available evidence is currently insufficient to determine the role of this variant in disease. Therefore, it has been classified as a Variant of Uncertain Significance.

GeneDx
Classification: Likely benign. Last evaluated: 2017-02-06. Review status: criteria provided, single submitter. Criteria: GeneDx Variant Classification (06012015). Collection method: clinical testing. Allele origin: germline. Affected: yes.
Comment: This variant is considered likely benign or benign based on one or more of the following criteria: it is a conservative change, it occurs at a poorly conserved position in the protein, it is predicted to be benign by multiple in silico algorithms, and/or has population frequency not consistent with disease.